The following is an entry in ClinVar:

ClinVar aggregate classification (germline): Uncertain significance. Review status: criteria provided, multiple submitters, no conflicts (2 of 4 stars). 3 submissions from 3 submitters: Uncertain significance (3). Last evaluated 2023-01-06.

Conditions:
Imerslund-Grasbeck syndrome. Also called: PERNICIOUS ANEMIA, JUVENILE, DUE TO SELECTIVE INTESTINAL MALABSORPTION OF VITAMIN B12, WITH PROTEINURIA; Megaloblastic anemia due to inborn errors of metabolism; ENTEROCYTE COBALAMIN MALABSORPTION; ENTEROCYTE INTRINSIC FACTOR RECEPTOR, DEFECT OF; Imerslund-Gräsbeck syndrome. Identifiers: Orphanet 35858, MedGen C4551825, MONDO:0009853.
Proteinuria, chronic benign. Identifiers: MedGen C5394384, MONDO:0030042, OMIM 618884.
Imerslund-Grasbeck syndrome type 1 (IGS1). Also called: Imerslund-Gräsbeck syndrome 1; Megaloblastic anemia 1, Finnish type; MEGALOBLASTIC ANEMIA, 1. Identifiers: MedGen C4016819, MONDO:0100156, OMIM 261100.
Inborn genetic diseases. Identifiers: MedGen C0950123, MeSH D030342.

Allele frequency attached by ClinVar (database versions not stated): TOPMed 0.00007; gnomAD exomes 0.00012 and 0.00003; gnomAD 0.00004 and 0.00003; ExAC 0.00007.
gnomAD v4.1: 49 of 1,613,966 alleles (0.003%); highest among the groups gnomAD compares: Admixed American, 0.058%; no homozygotes.

Submissions (3):

Ambry Genetics
Classification: Uncertain significance for Inborn genetic diseases. Last evaluated: 2023-01-06. Review status: criteria provided, single submitter. Criteria: Ambry Variant Classification Scheme 2023. Collection method: clinical testing. Allele origin: germline.

Labcorp Genetics (formerly Invitae), Labcorp
Classification: Uncertain significance for Imerslund-Grasbeck syndrome. Last evaluated: 2022-10-13. Review status: criteria provided, single submitter. Criteria: Invitae Variant Classification Sherloc (09022015). Collection method: clinical testing. Allele origin: germline.
Comment: This sequence change replaces glutamic acid, which is acidic and polar, with lysine, which is basic and polar, at codon 3443 of the CUBN protein (p.Glu3443Lys). This variant is present in population databases (rs776263089, gnomAD 0.08%). This variant has not been reported in the literature in individuals affected with CUBN-related conditions. ClinVar contains an entry for this variant (Variation ID: 1425700). Advanced modeling of protein sequence and biophysical properties (such as structural, functional, and spatial information, amino acid conservation, physicochemical variation, residue mobility, and thermodynamic stability) performed at Invitae indicates that this missense variant is expected to disrupt CUBN protein function. In summary, the available evidence is currently insufficient to determine the role of this variant in disease. Therefore, it has been classified as a Variant of Uncertain Significance.

Fulgent Genetics
Classification: Uncertain significance for Imerslund-Grasbeck syndrome type 1; Proteinuria, chronic benign. Last evaluated: 2021-11-03. Review status: criteria provided, single submitter. Criteria: ACMG Guidelines, 2015. Collection method: clinical testing. Allele origin: unknown.

NM_001081.4(CUBN):c.10327G>A (p.Glu3443Lys)

Gene: CUBN (cubilin; minus strand). Cytogenetic location: 10p13.
Variant type: single nucleotide variant.
Coding change: c.10327G>A on transcript NM_001081.4 (MANE Select); coding-DNA position 10327, G replaced by A.
Protein change: p.Glu3443Lys; replaces glutamic acid 3443 with lysine.
Molecular consequence: missense variant.
Genome position (GRCh38, 1-based): chr10:16,835,049, C>T on the plus strand (G>A on the coding strand, the complement: CUBN is on the minus strand). VCF-style: chr10-16835049-C-T. GRCh37 (hg19) VCF-style: chr10-16877048-C-T.
Other names: c.10327G>A (NM_001081.3); short protein forms E3443K.
Identifiers: ClinVar variation 1425700 (VCV001425700.7), dbSNP rs776263089, ClinGen allele CA5422407.